The following is an entry in ClinVar:

ClinVar aggregate classification (germline): Uncertain significance (1 of 4 stars; one submission).

Conditions:
Malignant hyperthermia, susceptibility to, 5 (MHS5). Also called: CACNA1S-Related Malignant Hyperthermia Susceptibility. Identifiers: Orphanet 423, MedGen C1866077, MONDO:0011163, OMIM 601887.

Submission:

All of Us Research Program, National Institutes of Health
Classification: Uncertain significance for Malignant hyperthermia, susceptibility to, 5. Last evaluated: 2024-03-24. Review status: criteria provided, single submitter. Criteria: ACMG Guidelines, 2015. Collection method: clinical testing. Allele origin: germline. Inheritance: Autosomal dominant inheritance. Observed: 1 variant allele, 1 heterozygote.
Comment: This variant causes a C to A nucleotide substitution at the +5 position of intron 1/43 of the CACNA1S gene. To our knowledge, functional studies have not been reported for this variant. This variant has not been reported in individuals affected with CACNA1S-related disorders in the literature. This variant has not been identified in the general population by the Genome Aggregation Database (gnomAD). The available evidence is insufficient to determine the role of this variant in disease conclusively. Therefore, this variant is classified as a Variant of Uncertain Significance.

This study involves interpretation of variants in research participants for the purpose of population health screening. Participant phenotype was not available at the time of variant classification. Additional details can be found in publication PMID: 35346344, PMCID: PMC8962531

NM_000069.3(CACNA1S):c.152+5C>A

Gene: CACNA1S (calcium voltage-gated channel subunit alpha1 S; minus strand). Cytogenetic location: 1q32.1.
Variant type: single nucleotide variant.
Coding change: c.152+5C>A on transcript NM_000069.3 (MANE Select); 5 bases into the intron after coding-DNA position 152, C replaced by A.
Molecular consequence: intron variant.
Genome position (GRCh38, 1-based): chr1:201,112,183, G>T on the plus strand (C>A on the coding strand, the complement: CACNA1S is on the minus strand). VCF-style: chr1-201112183-G-T. GRCh37 (hg19) VCF-style: chr1-201081311-G-T.
Identifiers: ClinVar variation 3386413 (VCV003386413.1).
Genomic context (GRCh38, chr1:201,112,183, plus strand): 5'-TGATCACCCCGAATCCCTCCCTCATGACGCACACCCCCCCCCACGGCCCGGGCCCTGAAG[G>T]ATACTTCCATTCTACAATGCTGATGCAGGCCTTCCTCAGGGGGTTCTCCAGGGTCAGGCA-3'